The following is an entry in ClinVar:

NM_000558.5(HBA1):c.1A>G (p.Met1Val)

Genes: HBA1 (hemoglobin subunit alpha 1; plus strand), LOC106804613 (hemoglobin subunit alpha 1 recombination region; plus strand). Cytogenetic location: 16p13.3.
Variant type: single nucleotide variant.
Coding change: c.1A>G on transcript NM_000558.5 (MANE Select); coding-DNA position 1, A replaced by G.
Protein change: p.Met1Val; changes the start codon (methionine 1).
Molecular consequence: missense variant, initiator codon variant.
Genome position (GRCh38, 1-based): chr16:176,717, A>G. VCF-style: chr16-176717-A-G. GRCh37 (hg19) VCF-style: chr16-226716-A-G.
Other names: c.1A>G (NM_000558.4); short protein forms M1V.
Identifiers: ClinVar variation 2428673 (VCV002428673.8), dbSNP rs34220980, ClinGen allele CA7770223.
Genomic context (GRCh38, chr16:176,717, plus strand): 5'-CCCTGGCGCGCTCGCGGCCCGGCACTCTTCTGGTCCCCACAGACTCAGAGAGAACCCACC[A>G]TGGTGCTGTCTCCTGCCGACAAGACCAACGTCAAGGCCGCCTGGGGTAAGGTCGGCGCGC-3'
Protein context (NP_000549.1, residues 1-11): [Met1Val]VLSPADKTNV

ClinVar aggregate classification (germline): Pathogenic. Review status: criteria provided, multiple submitters, no conflicts (2 of 4 stars). 4 submissions from 4 submitters: Pathogenic (4). Last evaluated 2025-12-01.

Conditions:
alpha Thalassemia. Also called: Alpha thalassemia spectrum. Identifiers: Orphanet 846, MedGen C0002312, MONDO:0011399, OMIM 604131.
Erythrocytosis, familial, 7. Also called: ERYTHROCYTOSIS, ALPHA-GLOBIN TYPE; POLYCYTHEMIA, ALPHA-GLOBIN TYPE; ERYTHROCYTOSIS 7. Identifiers: MedGen C4693823, MONDO:0054802, OMIM 617981.
Heinz body anemia. Also called: Heinz body hemolytic anemia. Identifiers: Orphanet 178330, MedGen C0700299, MONDO:0007705, OMIM 140700, HP:0005511.
Methemoglobinemia, alpha type. Identifiers: MedGen C4693798, MONDO:0020835, OMIM 617973.
Hemoglobin H disease (HBH). Also called: ALPHA-THALASSEMIA, HEMOGLOBIN H TYPE; HEMOGLOBIN H DISEASE, DELETIONAL; Hemoglobin H (HbH) Disease. Identifiers: Orphanet 93616, MedGen C3161174, MONDO:0013512, OMIM 613978. Disease mechanism: loss of function.

Allele frequency attached by ClinVar (database versions not stated): ExAC 0.00002; gnomAD 0.00003.

Submissions (4):

Otogenetics
Classification: Pathogenic for alpha Thalassemia. Last evaluated: 2025-12-01. Review status: criteria provided, single submitter. Criteria: ACMG Guidelines, 2015. Collection method: clinical testing. Allele origin: germline.
Comment: PVS1_Moderate: Start loss variant in initiation codon introduced in gene with loss of function as mechanism of disease.; PS1: Same amino acid change as a known pathogenic variant: c.2T>A; c.2T>G (PMID: 6490612, 27821014); PM3_Strong: Variant reported in homozygous state in two affected individuals and in trans with a 2-gene cis deletion in 2 individuals affected with hemoglobin H (PMID: 3680504)

Natera, Inc.
Classification: Pathogenic for Alpha thalassemia. Last evaluated: 2025-07-25. Review status: criteria provided, single submitter. Criteria: Natera Variant Classification Schema (03/2026). Collection method: clinical testing. Allele origin: germline.
Comment: The c.1A>G variant in HBA1 is predicted to result in start loss due to disruption of the initiator methionine. This variant is expected to result in nonsense mediated decay, truncation, or a dysfunctional protein product. This variant is rare in the general population with a frequency below the threshold expected for the associated phenotype(s). This variant has been observed in one or more individuals affected with the associated recessive disease, as either homozygous or compound heterozygous with a second variant (PMID: 3680504). Additionally, this variant has been observed to segregate in affected family members (PMID: 3680504). Given the available evidence, this variant is classified as Pathogenic.

ARUP Laboratories, Molecular Genetics and Genomics, ARUP Laboratories
Classification: Pathogenic. Last evaluated: 2025-04-04. Review status: criteria provided, single submitter. Criteria: ARUP Molecular Germline Variant Investigation Process 2024. Collection method: clinical testing. Allele origin: germline.
Comment: The HBA1 c.1A>G; p.Met1? variant (rs34220980, HbVar ID: 1063), also known as alpha1 NcoI, is reported heterozygous in the literature in individuals with hypochromia and variable microcytosis (see Hbvar and references therein, Desogus 2015). Further, this variant has been observed in trans with double and single alpha globin gene deletions in individuals with Hb H disease and alpha thalassemia trait respectively (HbVar, Desogus 2015). This variant disrupts the translation initiation codon, resulting in reduced alpha globin protein. This variant is found in the African population with an allele frequency of 0.2% (4/22010 alleles) in the Genome Aggregation Database. Based on available information, this variant is considered to be pathogenic. References: Link to HbVar database: Desogus MF et al. Investigating the alpha1(NcoI) mutation. Acta Haematol. 2015;133(2):145-7. PMID: 25247841.

Fulgent Genetics
Classification: Pathogenic for Heinz body anemia; alpha Thalassemia; Hemoglobin H disease; Methemoglobinemia, alpha type; Erythrocytosis, familial, 7. Last evaluated: 2024-02-13. Review status: criteria provided, single submitter. Criteria: ACMG Guidelines, 2015. Collection method: clinical testing. Allele origin: germline.

Literature cited by the submitters: PubMed 6490612 (cited by Otogenetics); PubMed 27821014 (cited by Otogenetics); PubMed 3680504 (cited by Otogenetics and Natera, Inc.).